The following is an entry in ClinVar:

NM_006767.4(LZTR1):c.709C>T (p.Arg237Trp)

Gene: LZTR1 (leucine zipper like post translational regulator 1; plus strand). Cytogenetic location: 22q11.21.
Variant type: single nucleotide variant.
Coding change: c.709C>T on transcript NM_006767.4 (MANE Select); coding-DNA position 709, C replaced by T.
Protein change: p.Arg237Trp; replaces arginine 237 with tryptophan.
Molecular consequence: missense variant.
Genome position (GRCh38, 1-based): chr22:20,990,443, C>T. VCF-style: chr22-20990443-C-T. GRCh37 (hg19) VCF-style: chr22-21344732-C-T.
Other names: short protein forms R237W.
Identifiers: ClinVar variation 1044206 (VCV001044206.13), dbSNP rs146197956, ClinGen allele CA10118598.

ClinVar aggregate classification (germline): Uncertain significance. Review status: criteria provided, multiple submitters, no conflicts (2 of 4 stars). 5 submissions from 5 submitters: Uncertain significance (5). Last evaluated 2026-04-13.

Conditions:
LZTR1-related schwannomatosis. Also called: Schwannomatosis-2, susceptibility to; Schwannomatosis 2. Identifiers: Orphanet 93921, MedGen C3810283, MONDO:0014299, OMIM 615670.
Cardiovascular phenotype. Identifiers: MedGen CN230736.
Hereditary cancer-predisposing syndrome. Also called: Hereditary Cancer Syndrome; Tumor predisposition; Hereditary neoplastic syndrome; Neoplastic Syndromes, Hereditary. Identifiers: Orphanet 140162, MedGen C0027672, MeSH D009386, MONDO:0015356.
Noonan syndrome 10 (NS10). Identifiers: Orphanet 648, MedGen C4225280, MONDO:0014693, OMIM 616564.

Allele frequency attached by ClinVar (database versions not stated): ExAC 0.00002; TOPMed 0.00004; ESP Exome Variant Server 0.00015.
gnomAD v4.1: 29 of 1,613,928 alleles (0.0018%); highest among the groups gnomAD compares: Admixed American, 0.005%; no homozygotes.

Submissions (5):

Clinical Genomics Laboratory, Washington University in St. Louis
Classification: Uncertain significance for Noonan syndrome 10. Last evaluated: 2026-04-13. Review status: criteria provided, single submitter. Criteria: ACMG Guidelines, 2015. Collection method: clinical testing. Allele origin: germline.
Comment: An LZTR1 c.709C>T (p.Arg237Trp) variant was identified at a near heterozygous allelic fraction of 49.2%, a frequency that may be consistent with it being of germline origin. This variant, to our knowledge, has not been reported in the medical literature. It has been reported in the ClinVar database as a germline variant of uncertain significance by three submitters (Variation ID: 1044206). It is only observed on 29/1,613,928 alleles in the general population (gnomAD v4.1.1), indicating it is not a common variant. Due to limited information, and based on ACMG/AMP guidelines for variant interpretation (Richards S et al., PMID: 25741868), the clinical significance of this variant is uncertain at this time.

Labcorp Genetics (formerly Invitae), Labcorp
Classification: Uncertain significance. Last evaluated: 2025-12-15. Review status: criteria provided, single submitter. Criteria: Invitae Variant Classification Sherloc (09022015). Collection method: clinical testing. Allele origin: germline.
Comment: This sequence change replaces arginine, which is basic and polar, with tryptophan, which is neutral and slightly polar, at codon 237 of the LZTR1 protein (p.Arg237Trp). This variant is present in population databases (rs146197956, gnomAD 0.01%). This variant has not been reported in the literature in individuals affected with LZTR1-related conditions. ClinVar contains an entry for this variant (Variation ID: 1044206). Invitae Evidence Modeling of protein sequence and biophysical properties (such as structural, functional, and spatial information, amino acid conservation, physicochemical variation, residue mobility, and thermodynamic stability) indicates that this missense variant is not expected to disrupt LZTR1 protein function with a negative predictive value of 80%. In summary, the available evidence is currently insufficient to determine the role of this variant in disease. Therefore, it has been classified as a Variant of Uncertain Significance.

Blueprint Genetics
Classification: Uncertain significance. Last evaluated: 2024-04-19. Review status: criteria provided, single submitter. Criteria: ACMG Guidelines, 2015. Collection method: clinical testing. Allele origin: germline.

Ambry Genetics
Classification: Uncertain significance for Cardiovascular phenotype; Hereditary cancer-predisposing syndrome. Last evaluated: 2024-03-12. Review status: criteria provided, single submitter. Criteria: Ambry Variant Classification Scheme 2023. Collection method: clinical testing. Allele origin: germline.
Comment: The p.R237W variant (also known as c.709C>T), located in coding exon 8 of the LZTR1 gene, results from a C to T substitution at nucleotide position 709. The arginine at codon 237 is replaced by tryptophan, an amino acid with dissimilar properties. This amino acid position is highly conserved in available vertebrate species. In addition, the in silico prediction for this alteration is inconclusive. Since supporting evidence is limited at this time, the clinical significance of this alteration remains unclear.

Baylor Genetics
Classification: Uncertain significance for LZTR1-related schwannomatosis. Last evaluated: 2023-07-13. Review status: criteria provided, single submitter. Criteria: ACMG Guidelines, 2015. Collection method: clinical testing. Allele origin: unknown.